The following is an entry in ClinVar:

NM_020549.5(CHAT):c.1097C>T (p.Thr366Met)

Gene: CHAT (choline O-acetyltransferase; plus strand). Cytogenetic location: 10q11.23.
Variant type: single nucleotide variant.
Coding change: c.1097C>T on transcript NM_020549.5 (MANE Select); coding-DNA position 1097, C replaced by T.
Protein change: p.Thr366Met; replaces threonine 366 with methionine.
Molecular consequence: missense variant.
Genome position (GRCh38, 1-based): chr10:49,627,771, C>T. VCF-style: chr10-49627771-C-T. GRCh37 (hg19) VCF-style: chr10-50835817-C-T.
Other names: c.743C>T, p.Thr248Met (NM_001142929.2, NM_001142934.2, NM_020984.4 and 2 more transcripts); c.851C>T, p.Thr284Met (NM_001142933.2); c.1097C>T (NM_020549.4); short protein forms T366M, T248M, T284M.
Identifiers: ClinVar variation 1378680 (VCV001378680.7), dbSNP rs533289708, ClinGen allele CA5497357.

ClinVar aggregate classification (germline): Uncertain significance. Review status: criteria provided, multiple submitters, no conflicts (2 of 4 stars). 3 submissions from 3 submitters: Uncertain significance (3). Last evaluated 2025-11-12.

Conditions:
Inborn genetic diseases. Identifiers: MedGen C0950123, MeSH D030342.
Familial infantile myasthenia (CMS6). Also called: MYASTHENIC SYNDROME, PRESYNAPTIC, CONGENITAL, ASSOCIATED WITH EPISODIC APNEA; MYASTHENIC SYNDROME, CONGENITAL, 6, PRESYNAPTIC; Congenital myasthenic syndrome type 6. Identifiers: Orphanet 590, MedGen C0393929, MONDO:0009689, OMIM 254210.

Allele frequency attached by ClinVar (database versions not stated): 1000 Genomes Project 30x 0.00016; 1000 Genomes Project 0.00020.
gnomAD v4.1: 30 of 1,613,718 alleles (0.0019%); highest among the groups gnomAD compares: Admixed American, 0.017%; no homozygotes.

Submissions (3):

Labcorp Genetics (formerly Invitae), Labcorp
Classification: Uncertain significance for Familial infantile myasthenia. Last evaluated: 2025-11-12. Review status: criteria provided, single submitter. Criteria: Invitae Variant Classification Sherloc (09022015). Collection method: clinical testing. Allele origin: germline.
Comment: This sequence change replaces threonine, which is neutral and polar, with methionine, which is neutral and non-polar, at codon 366 of the CHAT protein (p.Thr366Met). This variant is present in population databases (rs533289708, gnomAD 0.007%). This variant has not been reported in the literature in individuals affected with CHAT-related conditions. ClinVar contains an entry for this variant (Variation ID: 1378680). Invitae Evidence Modeling of protein sequence and biophysical properties (such as structural, functional, and spatial information, amino acid conservation, physicochemical variation, residue mobility, and thermodynamic stability) indicates that this missense variant is not expected to disrupt CHAT protein function with a negative predictive value of 95%. In summary, the available evidence is currently insufficient to determine the role of this variant in disease. Therefore, it has been classified as a Variant of Uncertain Significance.

Ambry Genetics
Classification: Uncertain significance for Inborn genetic diseases. Last evaluated: 2024-05-01. Review status: criteria provided, single submitter. Criteria: Ambry Variant Classification Scheme 2023. Collection method: clinical testing. Allele origin: germline.

Revvity Omics, Revvity
Classification: Uncertain significance for Familial infantile myasthenia. Last evaluated: 2019-12-02. Review status: criteria provided, single submitter. Criteria: ACMG Guidelines, 2015. Collection method: clinical testing. Allele origin: germline.